The following is an entry in ClinVar:

ClinVar aggregate classification (germline): Uncertain significance (1 of 4 stars; one submission).

Conditions:
Hereditary diffuse gastric adenocarcinoma (HDGC). Also called: DIFFUSE GASTRIC AND LOBULAR BREAST CANCER SYNDROME. Identifiers: Orphanet 26106, MedGen C1708349, MONDO:0007648, OMIM 137215.

Allele frequency attached by ClinVar (database versions not stated): gnomAD exomes below 0.00001; ExAC 0.00001.
gnomAD v4.1: 1 of 1,614,194 alleles (0.000062%); highest among the groups gnomAD compares: Non-Finnish European, 0.000085%; no homozygotes.

Submission:

Labcorp Genetics (formerly Invitae), Labcorp
Classification: Uncertain significance for Hereditary diffuse gastric adenocarcinoma. Last evaluated: 2022-07-17. Review status: criteria provided, single submitter. Criteria: Invitae Variant Classification Sherloc (09022015). Collection method: clinical testing. Allele origin: germline.
Comment: Algorithms developed to predict the effect of missense changes on protein structure and function output the following: SIFT: "Tolerated"; PolyPhen-2: "Benign"; Align-GVGD: "Class C0". The aspartic acid amino acid residue is found in multiple mammalian species, which suggests that this missense change does not adversely affect protein function. This variant has not been reported in the literature in individuals affected with CDH1-related conditions. This variant is present in population databases (rs753031606, gnomAD 0.0009%). This sequence change replaces glutamic acid, which is acidic and polar, with aspartic acid, which is acidic and polar, at codon 534 of the CDH1 protein (p.Glu534Asp). In summary, the available evidence is currently insufficient to determine the role of this variant in disease. Therefore, it has been classified as a Variant of Uncertain Significance.

NM_004360.5(CDH1):c.1602G>C (p.Glu534Asp)

Gene: CDH1 (cadherin 1; plus strand). Cytogenetic location: 16q22.1.
Variant type: single nucleotide variant.
Coding change: c.1602G>C on transcript NM_004360.5 (MANE Select); coding-DNA position 1602, G replaced by C.
Protein change: p.Glu534Asp; replaces glutamic acid 534 with aspartic acid.
Molecular consequence: missense variant. On other transcripts: intron variant (1).
Genome position (GRCh38, 1-based): chr16:68,819,316, G>C. VCF-style: chr16-68819316-G-C. GRCh37 (hg19) VCF-style: chr16-68853219-G-C.
Other names: c.1419G>C, p.Glu473Asp (NM_001317184.2); c.54G>C, p.Glu18Asp (NM_001317185.2); c.-254-2685G>C (NM_001317186.2); short protein forms E18D, E473D, E534D.
Identifiers: ClinVar variation 1965670 (VCV001965670.5), dbSNP rs753031606, ClinGen allele CA8130111.